The following is an entry in ClinVar:

NM_000059.4(BRCA2):c.8884delinsCC (p.Leu2962fs)

Gene: BRCA2 (BRCA2 DNA repair associated; plus strand). Cytogenetic location: 13q13.1.
Variant type: Indel.
Coding change: c.8884delinsCC on transcript NM_000059.4 (MANE Select); coding-DNA position 8884, T replaced by CC.
Protein change: p.Leu2962fs; shifts the reading frame from leucine 2962.
Molecular consequence: frameshift variant. On other transcripts: non-coding transcript variant (1).
Genome position (GRCh38, 1-based): chr13:32,379,446, T replaced by CC. VCF-style: chr13-32379446-T-CC. GRCh37 (hg19) VCF-style: chr13-32953583-T-CC.
Other names: c.8788delinsCC, p.Leu2930fs (NM_001406719.1); c.8884delinsCC, p.Leu2962fs (NM_001406720.1); c.3952delinsCC, p.Leu1318fs (NM_001406721.1); c.2467delinsCC, p.Leu823fs (NM_001406722.1); short protein forms L1318fs, L2930fs, L2962fs, L823fs.
Identifiers: ClinVar variation 2573296 (VCV002573296.1), dbSNP rs2548555185, ClinGen allele CA2580614701.
Genomic context (GRCh38, chr13:32,379,446, plus strand): 5'-GCTCAGATCCAGTTGGAAATTAGGAAGGCCATGGAATCTGCTGAACAAAAGGAACAAGGT[T>CC]TATCAAGGGATGTCACAACCGTGTGGAAGTTGCGTATTGTAAGCTATTCAAAAAAAGAAA-3'

ClinVar aggregate classification (germline): Pathogenic (1 of 4 stars; one submission).

Conditions:
Breast-ovarian cancer, familial, susceptibility to, 2 (BROVCA2). Also called: BRCA2 Hereditary Breast and Ovarian Cancer. Identifiers: Orphanet 145, MedGen C2675520, MONDO:0012933, OMIM 612555. Disease mechanism: loss of function.

Submission:

Myriad Genetics, Inc.
Classification: Pathogenic for Breast-ovarian cancer, familial, susceptibility to, 2. Last evaluated: 2023-02-08. Review status: criteria provided, single submitter. Criteria: Myriad Autosomal Dominant, Autosomal Recessive and X-Linked Classification Criteria (2023). Collection method: clinical testing. Allele origin: unknown.
Comment: This variant is considered pathogenic. This variant creates a frameshift predicted to result in premature protein truncation.